The following is an entry in ClinVar:

ClinVar aggregate classification (germline): Pathogenic/Likely pathogenic. Review status: criteria provided, multiple submitters, no conflicts (2 of 4 stars). 13 submissions from 13 submitters: Pathogenic (11); Likely pathogenic (1). 1 of the submissions does not count toward it. Last evaluated 2026-01-14.

Conditions:
Fanconi anemia (FA). Also called: Fanconi's anemia. Identifiers: Orphanet 84, MedGen C0015625, MeSH D005199, MONDO:0019391.
Fanconi anemia complementation group D2. Also called: FANCD2-Related Fanconi Anemia; FANCONI PANCYTOPENIA, TYPE 4; FANCONI ANEMIA, COMPLEMENTATION GROUP D. Identifiers: Orphanet 84, MedGen C3160738, MONDO:0009214, OMIM 227646.
FANCD2-related disorders.
Monogenic short statue.
Pigmentary skin disorders.

Allele frequency attached by ClinVar (database versions not stated): 1000 Genomes Project 30x 0.00016; gnomAD 0.00016 and 0.00017; 1000 Genomes Project 0.00020; TOPMed 0.00016; gnomAD exomes 0.00017; ExAC 0.00023; ESP Exome Variant Server 0.00015.

Submissions (15):

Labcorp Genetics (formerly Invitae), Labcorp
Classification: Pathogenic for Fanconi anemia. Last evaluated: 2026-01-14. Review status: criteria provided, single submitter. Criteria: Invitae Variant Classification Sherloc (09022015). Collection method: clinical testing. Allele origin: germline.
Comment: This sequence change affects a donor splice site in intron 28 of the FANCD2 gene. RNA analysis indicates that disruption of this splice site induces altered splicing and may result in an absent or altered protein product. This variant is present in population databases (rs201811817, gnomAD 0.05%). Disruption of this splice site has been observed in individuals with Fanconi anemia (PMID: 17436244, 22720145, 25703294, 28386063). ClinVar contains an entry for this variant (Variation ID: 667394). Studies have shown that disruption of this splice site results in activation of cryptic splice site, and produces a non-functional protein and/or introduces a premature termination codon (PMID: 17436244). For these reasons, this variant has been classified as Pathogenic.

NHS Central & South Genomic Laboratory Hub
Classification: Pathogenic for Monogenic short statue. Last evaluated: 2025-10-21. Review status: criteria provided, single submitter. Criteria: ACMG Guidelines, 2015. Collection method: clinical testing. Allele origin: germline. Affected: yes.

Genetics Laboratory, Great Ormond Street Hospital NHS Foundation Trust, North Thames Genomic Laboratory Hub
Classification: Pathogenic for Pigmentary skin disorders. Last evaluated: 2025-09-23. Review status: criteria provided, single submitter. Criteria: ACGS Best Practice Guidelines for Variant Classification in Rare Disease 2024 v1.2. Collection method: clinical testing. Allele origin: germline. Affected: yes.
Comment: PM2_moderate, PVS1_very-strong, PS3_supporting, PM3_moderate

Blueprint Genetics
Classification: Likely pathogenic for FANCD2-related disorders. Last evaluated: 2024-07-22. Review status: criteria provided, single submitter. Criteria: ACMG Guidelines, 2015. Collection method: clinical testing. Allele origin: germline. Affected: yes. Observed: 5 variant alleles.

Fulgent Genetics
Classification: Pathogenic for Fanconi anemia complementation group D2. Last evaluated: 2024-04-03. Review status: criteria provided, single submitter. Criteria: ACMG Guidelines, 2015. Collection method: clinical testing. Allele origin: germline.

Baylor Genetics
Classification: Pathogenic for Fanconi anemia complementation group D2. Last evaluated: 2024-03-28. Review status: criteria provided, single submitter. Criteria: ACMG Guidelines, 2015. Collection method: clinical testing. Allele origin: unknown.

Victorian Clinical Genetics Services, Murdoch Childrens Research Institute
Classification: Pathogenic for Fanconi anemia complementation group D2. Last evaluated: 2023-12-20. Review status: criteria provided, single submitter. Criteria: ACMG Guidelines, 2015. Collection method: clinical testing. Allele origin: germline. Inheritance: Autosomal recessive inheritance. Affected: yes.
Comment: Based on the classification scheme VCGS_Germline_v1.3.4, this variant is classified as Pathogenic. Following criteria are met: 0102 - Loss of function is a known mechanism of disease in this gene and is associated with Fanconi anaemia, complementation group D2 (MIM#227646). (I) 0106 - This gene is associated with autosomal recessive disease. (I) 0211 - Canonical splice site variant without proven consequence on splicing (no functional evidence available). Although several publications provided mRNA and protein consequences, limited functional evidence was presented (PMIDs: 17436244, 28386063). (SP) 0251 - This variant is heterozygous. (I) 0304 - Variant is present in gnomAD (v2) <0.01 for a recessive condition (49 heterozygotes, 0 homozygotes). (SP) 0505 - Abnormal splicing is predicted by in silico tools and affected nucleotide is highly conserved. (SP) 0801 - This variant has strong previous evidence of pathogenicity in unrelated individuals. This variant has been classified as pathogenic by multiple clinical diagnostic laboratories and has been reported in individuals with bone marrow failure and/or Fanconi anaemia (ClinVar; PMIDs: 17436244, 25703294). (SP) 1007 - No published functional evidence has been identified for this variant. (I) 1208 - Inheritance information for this variant is not currently available in this individual. (I) Legend: (SP) - Supporting pathogenic, (I) - Information, (SB) - Supporting benign

Women's Health and Genetics/Laboratory Corporation of America, LabCorp
Classification: Pathogenic for Fanconi anemia. Last evaluated: 2023-04-13. Review status: criteria provided, single submitter. Criteria: LabCorp Variant Classification Summary - May 2015. Collection method: clinical testing. Allele origin: germline.
Comment: Variant summary: FANCD2 c.2715+1G>A is located in a canonical splice-site and is predicted to affect mRNA splicing resulting in a significantly altered protein due to either exon skipping, shortening, or inclusion of intronic material. Several computational tools predict a significant impact on normal splicing: Four predict the variant abolishes a 5 splicing donor site. At least two publications reported experimental evidence that this variant affects mRNA splicing and induces the use of a cryptic splice-donor site downstream the exon (Kalb_2007, Mantere_2017). The variant allele was found at a frequency of 0.00017 in 251446 control chromosomes (gnomAD). This frequency is not significantly higher than estimated for a pathogenic variant in FANCD2 causing Fanconi Anemia (0.00017 vs 0.00048), allowing no conclusion about variant significance. c.2715+1G>A has been reported in the literature in multiple individuals affected with Fanconi Anemia or Breast Cancer (Kalb_2007, Mantere_2017). These data indicate that the variant is very likely to be associated with disease. Seven ClinVar submitters (evaluation after 2014) cite this variant as pathogenic. Based on the evidence outlined above, the variant was classified as pathogenic.

GeneDx
Classification: Pathogenic. Last evaluated: 2022-06-02. Review status: criteria provided, single submitter. Criteria: GeneDx Variant Classification Process June 2021. Collection method: clinical testing. Allele origin: germline. Affected: yes.
Comment: Canonical splice site variant in a gene for which loss-of-function is a known mechanism of disease; Observed in individuals with personal and family history of breast cancer (Mantere 2017); This variant is associated with the following publications: (PMID: 28386063, 25703294, 25525159, 28678401, 24448499, 25239263, 17436244, 22829014, 30609409, 30676620, 26689913, 31980526)

Revvity Omics, Revvity
Classification: Pathogenic for Fanconi anemia complementation group D2. Last evaluated: 2022-03-14. Review status: criteria provided, single submitter. Criteria: ACMG Guidelines, 2015. Collection method: clinical testing. Allele origin: germline.

Genetic Services Laboratory, University of Chicago
Classification: Pathogenic. Last evaluated: 2019-12-13. Review status: criteria provided, single submitter. Criteria: ACMG Guidelines, 2015. Collection method: clinical testing. Allele origin: germline. Affected: yes.
Comment: DNA sequence analysis of the FANCD2 gene demonstrated a sequence change in the canonical splice donor site of intron 28, c.2715+1G>A. This sequence change has previously been described in patients with Fanconi anemia in the compound heterozygous state with another pathogenic variant (PMID: 17436244, PMID: 25703294). This sequence change has also been reported in patients with breast cancer and testicular seminoma in the heterozygous state (PMID: 28386063, PMID: 22829014), however the contribution of this variant to the breast cancer and testicular seminoma is unclear. This sequence change has also been described in gnomAD database with a low frequency of 0.017% in general population and a frequency of 0.048% in Finnish (dbSNP rs201811817). This sequence change is predicted to affect normal splicing of the FANCD2 gene and result in an abnormal protein. These collective evidences indicate that this sequence change is pathogenic.

Laboratory for Molecular Medicine, Mass General Brigham Personalized Medicine
Classification: Pathogenic for Fanconi anemia. Last evaluated: 2016-02-19. Review status: criteria provided, single submitter. Criteria: LMM Criteria. Collection method: clinical testing. Allele origin: germline. Inheritance: Autosomal recessive inheritance. Observed: 1 variant allele.
Comment: The c.2715+1G>A variant in FANCD2 has been identified in two individuals with Fa nconi anemia (Kalb 2007) and has also been identified in the general population with the highest frequency found at 0.06% (4/6614) of Finnish chromosomes by the Exome Aggregation Consortium (ExAC; dbSNP rs201 811817). Although this variant is seen in the general population, its frequency is consistent with a recessive carrier frequency. This variant occurs in the inv ariant region (+/- 1,2) of the splice consensus sequence and is predicted to cau se altered splicing leading to an abnormal or absent protein. In addition, in vi tro functional studies provide evidence that the c.2715+1G>A variant causes aber rant splicing (Kalb 2007). In summary, this variant meets our criteria to be cla ssified as pathogenic for Fanconi anemia in an autosomal recessive manner based upon case studies and functional evidence.

Leiden Open Variation Database
Classification: Pathogenic for Fanconi anemia complementation group D2. Last evaluated: 2020-02-28. Review status: no assertion criteria provided. Collection method: curation. Allele origin: germline. Affected: yes. Not counted in ClinVar's aggregate classification.
Comment: Curator: Arleen D. Auerbach. Submitter to LOVD: Arleen D. Auerbach.

Dr. Peter K. Rogan Lab, Western University
No classification provided (evidence only). Condition: Familial cancer of breast. Review status: no classification provided. Collection method: in vitro. Allele origin: not applicable. Functional consequence: retained intron. Not counted in ClinVar's aggregate classification.

Dr. Peter K. Rogan Lab, Western University
No classification provided (evidence only). Condition: Lymphoma. Review status: no classification provided. Collection method: in vitro. Allele origin: not applicable. Functional consequence: retained intron. Not counted in ClinVar's aggregate classification.

Literature cited by the submitters: PubMed 17436244 (cited by 5 submitters); PubMed 22720145 (cited by Labcorp Genetics (formerly Invitae), Labcorp); PubMed 25703294 (cited by Labcorp Genetics (formerly Invitae), Labcorp and Victorian Clinical Genetics Services, Murdoch Childrens Research Institute); PubMed 28386063 (cited by 3 submitters).

NM_001018115.3(FANCD2):c.2715+1G>A

Genes: FANCD2 (FA complementation group D2; plus strand), LOC107303338 (3p25 FANCD2 Alu-mediated recombination region; plus strand). Cytogenetic location: 3p25.3.
Variant type: single nucleotide variant.
Coding change: c.2715+1G>A on transcript NM_001018115.3 (MANE Select); the canonical splice donor site of the intron after coding-DNA position 2715, G replaced by A.
Molecular consequence: splice donor variant.
Genome position (GRCh38, 1-based): chr3:10,073,363, G>A. VCF-style: chr3-10073363-G-A. GRCh37 (hg19) VCF-style: chr3-10115047-G-A.
Other names: c.2715+1G>A (NM_001319984.2, NM_033084.6, NM_001374254.1); c.2604+1G>A (NM_001374253.1).
Identifiers: ClinVar variation 667394 (VCV000667394.37), dbSNP rs201811817, ClinGen allele CA2250154.